The following is an entry in ClinVar:

ClinVar aggregate classification (germline): Likely benign (1 of 4 stars; one submission).

gnomAD v4.1: 139 of 1,557,116 alleles (0.0089%); highest among the groups gnomAD compares: Middle Eastern, 0.036%; 20 homozygotes.

Submission:

CeGaT Center for Human Genetics Tuebingen
Classification: Likely benign. Last evaluated: 2024-07-01. Review status: criteria provided, single submitter. Criteria: CeGaT Center For Human Genetics Tuebingen Variant Classification Criteria Version 2. Collection method: clinical testing. Allele origin: germline. Affected: yes. Observed: 1 variant allele.
Comment: UGT2B28: BP4, BP7

NM_053039.2(UGT2B28):c.951A>G (p.Thr317=)

Gene: UGT2B28 (UDP glucuronosyltransferase family 2 member B28; plus strand). Cytogenetic location: 4q13.2.
Variant type: single nucleotide variant.
Coding change: c.951A>G on transcript NM_053039.2 (MANE Select); coding-DNA position 951, A replaced by G.
Protein change: p.Thr317=; no amino-acid change (threonine 317 retained).
Molecular consequence: synonymous variant.
Genome position (GRCh38, 1-based): chr4:69,286,832, A>G. VCF-style: chr4-69286832-A-G. GRCh37 (hg19) VCF-style: chr4-70152550-A-G.
Other names: c.951A>G, p.Thr317= (NM_001207004.2).
Identifiers: ClinVar variation 3257362 (VCV003257362.17).